The following is an entry in ClinVar:

ClinVar aggregate classification (germline): Uncertain significance. Review status: criteria provided, multiple submitters, no conflicts (2 of 4 stars). 2 submissions from 2 submitters: Uncertain significance (2). Last evaluated 2022-01-11.

Conditions:
Neonatal-onset encephalopathy with rigidity and seizures. Also called: Lethal neonatal spasticity-epileptic encephalopathy syndrome. Identifiers: Orphanet 435845, MedGen C3281029, MONDO:0013784, OMIM 614498.

Allele frequency attached by ClinVar (database versions not stated): gnomAD 0.00001; gnomAD exomes 0.00001; TOPMed 0.00001; ExAC 0.00002.

Submissions (2):

Labcorp Genetics (formerly Invitae), Labcorp
Classification: Uncertain significance for Neonatal-onset encephalopathy with rigidity and seizures. Last evaluated: 2022-01-11. Review status: criteria provided, single submitter. Criteria: Invitae Variant Classification Sherloc (09022015). Collection method: clinical testing. Allele origin: germline.
Comment: This variant is present in population databases (rs772861328, gnomAD 0.006%). In summary, the available evidence is currently insufficient to determine the role of this variant in disease. Therefore, it has been classified as a Variant of Uncertain Significance. Algorithms developed to predict the effect of missense changes on protein structure and function (SIFT, PolyPhen-2, Align-GVGD) all suggest that this variant is likely to be tolerated. ClinVar contains an entry for this variant (Variation ID: 1310001). This variant has not been reported in the literature in individuals affected with BRAT1-related conditions. This sequence change replaces alanine, which is neutral and non-polar, with threonine, which is neutral and polar, at codon 652 of the BRAT1 protein (p.Ala652Thr).

GeneDx
Classification: Uncertain significance. Last evaluated: 2019-11-04. Review status: criteria provided, single submitter. Criteria: GeneDx Variant Classification Process June 2021. Collection method: clinical testing. Allele origin: germline. Affected: yes.
Comment: Not observed at a significant frequency in large population cohorts (Lek et al., 2016); In silico analysis, which includes protein predictors and evolutionary conservation, supports that this variant does not alter protein structure/function; Has not been previously published as pathogenic or benign to our knowledge

NM_152743.4(BRAT1):c.1954G>A (p.Ala652Thr)

Gene: BRAT1 (BRCA1 associated ATM activator 1; minus strand). Cytogenetic location: 7p22.3.
Variant type: single nucleotide variant.
Coding change: c.1954G>A on transcript NM_152743.4 (MANE Select); coding-DNA position 1954, G replaced by A.
Protein change: p.Ala652Thr; replaces alanine 652 with threonine.
Molecular consequence: missense variant. On other transcripts: non-coding transcript variant (1).
Genome position (GRCh38, 1-based): chr7:2,538,581, C>T on the plus strand (G>A on the coding strand, the complement: BRAT1 is on the minus strand). VCF-style: chr7-2538581-C-T. GRCh37 (hg19) VCF-style: chr7-2578215-C-T.
Other names: c.2134G>A, p.Ala712Thr (NM_001350626.2); c.1429G>A, p.Ala477Thr (NM_001350627.2); short protein forms A477T, A652T, A712T.
Identifiers: ClinVar variation 1310001 (VCV001310001.6), dbSNP rs772861328, ClinGen allele CA4127499.